The following is an entry in ClinVar:

ClinVar aggregate classification (germline): Uncertain significance (1 of 4 stars; one submission).

Conditions:
Hereditary cancer-predisposing syndrome. Also called: Tumor predisposition; Neoplastic Syndromes, Hereditary; Hereditary neoplastic syndrome; Hereditary Cancer Syndrome. Identifiers: Orphanet 140162, MedGen C0027672, MeSH D009386, MONDO:0015356.

Submission:

Ambry Genetics
Classification: Uncertain significance for Hereditary cancer-predisposing syndrome. Last evaluated: 2024-10-17. Review status: criteria provided, single submitter. Criteria: Ambry Variant Classification Scheme 2023. Collection method: clinical testing. Allele origin: germline.
Comment: The p.A974S variant (also known as c.2920G>T), located in coding exon 25 of the TSC2 gene, results from a G to T substitution at nucleotide position 2920. The alanine at codon 974 is replaced by serine, an amino acid with similar properties. This amino acid position is conserved. In addition, the in silico prediction for this alteration is inconclusive. Based on the available evidence, the clinical significance of this variant remains unclear.

NM_000548.5(TSC2):c.2920G>T (p.Ala974Ser)

Gene: TSC2 (TSC complex subunit 2; plus strand). Cytogenetic location: 16p13.3.
Variant type: single nucleotide variant.
Coding change: c.2920G>T on transcript NM_000548.5 (MANE Select); coding-DNA position 2920, G replaced by T.
Protein change: p.Ala974Ser; replaces alanine 974 with serine.
Molecular consequence: missense variant. On other transcripts: intron variant (31).
Genome position (GRCh38, 1-based): chr16:2,077,680, G>T. VCF-style: chr16-2077680-G-T. GRCh37 (hg19) VCF-style: chr16-2127681-G-T.
Other names: c.2920G>T, p.Ala974Ser (NM_001114382.3, NM_001406663.1, NM_001406664.1); c.2809G>T, p.Ala937Ser (NM_001406670.1); c.2773G>T, p.Ala925Ser (NM_001406675.1, NM_001406676.1); c.2320G>T, p.Ala774Ser (NM_001406680.1, NM_001406682.1, NM_001406683.1 and 1 more transcripts); c.1576G>T, p.Ala526Ser (NM_001406689.1); c.1493+1095G>T (NM_001406693.1, NM_001406690.1, NM_001406692.1 and 5 more transcripts); c.2927+1095G>T (NM_001406667.1, NM_001406668.1); c.2237+1095G>T (NM_001406687.1, NM_001406685.1, NM_001318831.2 and 2 more transcripts); and 8 more; short protein forms A526S, A974S, A774S, A925S, A937S.
Identifiers: ClinVar variation 3462651 (VCV003462651.1).